The following is an entry in ClinVar:

NM_001267550.2(TTN):c.39317T>C (p.Val13106Ala)

Gene: TTN (titin; minus strand). Cytogenetic location: 2q31.2.
Variant type: single nucleotide variant.
Coding change: c.39317T>C on transcript NM_001267550.2 (MANE Select); coding-DNA position 39317, T replaced by C.
Protein change: p.Val13106Ala; replaces valine 13106 with alanine.
Molecular consequence: missense variant. On other transcripts: intron variant (3).
Genome position (GRCh38, 1-based): chr2:178,651,946, A>G on the plus strand (T>C on the coding strand, the complement: TTN is on the minus strand). VCF-style: chr2-178651946-A-G. GRCh37 (hg19) VCF-style: chr2-179516673-A-G.
Other names: c.34796T>C, p.Val11599Ala (NM_001256850.1); c.32015T>C, p.Val10672Ala (NM_133378.4); c.13283-9629T>C (NM_003319.4); c.13859-9629T>C (NM_133437.4); c.13658-9629T>C (NM_133432.3); short protein forms V10672A, V11599A, V13106A.
Identifiers: ClinVar variation 2632538 (VCV002632538.1), dbSNP rs2472385292, ClinGen allele CA349458400.
Genomic context (GRCh38, chr2:178,651,946, plus strand): 5'-TGTGGAGGCGCCGCTGGCTCTGGCTCTTCCACAACTTCAGCAGGAGGCTCTTCTAGGGCA[A>G]CTTCCTCAGGCTCCTCGAACACTTTAAAGACATGAGCTCATTTTAATGCCAGAATTGACT-3'
Protein context (NP_001254479.2, residues 13096-13116): PPEVFEEPEE[Val13106Ala]ALEEPPAEVV

ClinVar aggregate classification (germline): Uncertain significance (1 of 4 stars; one submission).

Conditions:
TTN-related disorder. Also called: TTN-related condition; TTN-related disease; TTN-related disorders.

gnomAD v4.1: 4 of 1,610,614 alleles (0.00025%); highest among the groups gnomAD compares: African/African-American, 0.0013%; no homozygotes.

Submission:

PreventionGenetics, part of Exact Sciences
Classification: Uncertain significance for TTN-related condition. Last evaluated: 2023-05-22. Review status: criteria provided, single submitter. Criteria: ACMG Guidelines, 2015. Collection method: clinical testing. Allele origin: germline.
Comment: The TTN c.39317T>C variant is predicted to result in the amino acid substitution p.Val13106Ala. To our knowledge, this variant has not been reported in the literature or in a large population database, indicating this variant is rare. At this time, the clinical significance of this variant is uncertain due to the absence of conclusive functional and genetic evidence.